The following is an entry in ClinVar:

NM_000535.7(PMS2):c.1358T>G (p.Met453Arg)

Gene: PMS2 (PMS1 homolog 2, mismatch repair system component; minus strand). Cytogenetic location: 7p22.1.
Variant type: single nucleotide variant.
Coding change: c.1358T>G on transcript NM_000535.7 (MANE Select); coding-DNA position 1358, T replaced by G.
Protein change: p.Met453Arg; replaces methionine 453 with arginine.
Molecular consequence: missense variant. On other transcripts: non-coding transcript variant (1).
Genome position (GRCh38, 1-based): chr7:5,987,407, A>C on the plus strand (T>G on the coding strand, the complement: PMS2 is on the minus strand). VCF-style: chr7-5987407-A-C. GRCh37 (hg19) VCF-style: chr7-6027038-A-C.
Other names: c.953T>G, p.Met318Arg (NM_001322003.2, NM_001322004.2, NM_001322005.2 and 1 more transcripts); c.1202T>G, p.Met401Arg (NM_001322006.2); c.1040T>G, p.Met347Arg (NM_001322007.2, NM_001322008.2); c.797T>G, p.Met266Arg (NM_001322010.2); c.425T>G, p.Met142Arg (NM_001322011.2, NM_001322012.2); c.785T>G, p.Met262Arg (NM_001322013.2); c.1358T>G, p.Met453Arg (NM_001322014.2); c.1049T>G, p.Met350Arg (NM_001322015.2); short protein forms M401R, M266R, M347R, M142R, M318R, M453R, M262R, M350R.
Identifiers: ClinVar variation 1499458 (VCV001499458.12), dbSNP rs1060503130, ClinGen allele CA366742260.

ClinVar aggregate classification (germline): Conflicting classifications of pathogenicity. Review status: criteria provided, conflicting classifications (1 of 4 stars). 3 submissions from 3 submitters: Uncertain significance (2); Likely benign (1). Last evaluated 2025-04-21.

Conditions:
Hereditary cancer-predisposing syndrome. Also called: Tumor predisposition; Hereditary neoplastic syndrome; Neoplastic Syndromes, Hereditary; Hereditary Cancer Syndrome. Identifiers: Orphanet 140162, MedGen C0027672, MeSH D009386, MONDO:0015356.
Hereditary nonpolyposis colorectal neoplasms. Identifiers: MedGen C0009405, MeSH D003123.
Mismatch repair cancer syndrome 4. Identifiers: MedGen C5436817, MONDO:0030843, OMIM 619101.
Lynch syndrome 4 (LYNCH4). Also called: Hereditary non-polyposis colorectal cancer, type 4; Colorectal cancer, hereditary nonpolyposis, type 4. Identifiers: Orphanet 144, MedGen C1838333, MONDO:0013699, OMIM 614337. Disease mechanism: loss of function.

Submissions (3):

Ambry Genetics
Classification: Likely benign for Hereditary cancer-predisposing syndrome. Last evaluated: 2025-04-21. Review status: criteria provided, single submitter. Criteria: Ambry Variant Classification Scheme 2023. Collection method: clinical testing. Allele origin: germline.

Department of Pathology and Laboratory Medicine, Sinai Health System
Classification: Uncertain significance for Lynch syndrome 4; Mismatch repair cancer syndrome 4. Last evaluated: 2025-02-07. Review status: criteria provided, single submitter. Criteria: ACMG Guidelines, 2015. Collection method: clinical testing. Allele origin: germline.

Labcorp Genetics (formerly Invitae), Labcorp
Classification: Uncertain significance for Hereditary nonpolyposis colorectal neoplasms. Last evaluated: 2022-03-28. Review status: criteria provided, single submitter. Criteria: Invitae Variant Classification Sherloc (09022015). Collection method: clinical testing. Allele origin: germline.
Comment: This variant is not present in population databases (gnomAD no frequency). This sequence change replaces methionine, which is neutral and non-polar, with arginine, which is basic and polar, at codon 453 of the PMS2 protein (p.Met453Arg). This variant has not been reported in the literature in individuals affected with PMS2-related conditions. In summary, the available evidence is currently insufficient to determine the role of this variant in disease. Therefore, it has been classified as a Variant of Uncertain Significance. Advanced modeling of protein sequence and biophysical properties (such as structural, functional, and spatial information, amino acid conservation, physicochemical variation, residue mobility, and thermodynamic stability) performed at Invitae indicates that this missense variant is not expected to disrupt PMS2 protein function.